The following is an entry in ClinVar:

NM_001013838.3(CARMIL2):c.564G>A (p.Gln188=)

Gene: CARMIL2 (capping protein regulator and myosin 1 linker 2; plus strand). Cytogenetic location: 16q22.1.
Variant type: single nucleotide variant.
Coding change: c.564G>A on transcript NM_001013838.3 (MANE Select); coding-DNA position 564, G replaced by A.
Protein change: p.Gln188=; no amino-acid change (glutamine 188 retained).
Molecular consequence: synonymous variant.
Genome position (GRCh38, 1-based): chr16:67,646,926, G>A. VCF-style: chr16-67646926-G-A. GRCh37 (hg19) VCF-style: chr16-67680829-G-A.
Other names: c.564G>A, p.Gln188= (NM_001317026.3); c.564G>A (NM_001013838.1).
Identifiers: ClinVar variation 1631757 (VCV001631757.10), dbSNP rs773507786, ClinGen allele CA8113126.

ClinVar aggregate classification (germline): Likely benign. Review status: criteria provided, single submitter (1 of 4 stars). 2 submissions from 2 submitters: Likely benign (1). 1 of the submissions does not count toward it. Last evaluated 2024-10-28.

Conditions:
CARMIL2-related disorder. Also called: CARMIL2-related condition.

Allele frequency attached by ClinVar (database versions not stated): gnomAD 0.00001; gnomAD exomes 0.00003 and 0.00006; ExAC 0.00009; 1000 Genomes Project 30x 0.00016.

Submissions (2):

Labcorp Genetics (formerly Invitae), Labcorp
Classification: Likely benign. Last evaluated: 2024-10-28. Review status: criteria provided, single submitter. Criteria: Invitae Variant Classification Sherloc (09022015). Collection method: clinical testing. Allele origin: germline.

PreventionGenetics, part of Exact Sciences
Classification: Likely benign for CARMIL2-related condition. Last evaluated: 2019-06-11. Review status: no assertion criteria provided. Collection method: clinical testing. Allele origin: germline. Not counted in ClinVar's aggregate classification.
Comment: This variant is classified as likely benign based on ACMG/AMP sequence variant interpretation guidelines (Richards et al. 2015 PMID: 25741868, with internal and published modifications).